The following is an entry in ClinVar:

ClinVar aggregate classification (germline): Uncertain significance. Review status: reviewed by expert panel (3 of 4 stars). 9 submissions from 9 submitters: Uncertain significance (1). 8 of the submissions do not count toward it. Last evaluated 2024-12-03.

Conditions:
LZTR1-related disorder. Also called: LZTR1-related disorders; LZTR1-related condition.
RASopathy. Also called: rasopathies; Noonan spectrum disorder. Identifiers: Orphanet 536391, MedGen C5555857, MONDO:0021060.
Hereditary cancer-predisposing syndrome. Also called: Neoplastic Syndromes, Hereditary; Tumor predisposition; Hereditary Cancer Syndrome; Hereditary neoplastic syndrome. Identifiers: Orphanet 140162, MedGen C0027672, MeSH D009386, MONDO:0015356.
Cardiovascular phenotype. Identifiers: MedGen CN230736.

Allele frequency attached by ClinVar (database versions not stated): ExAC 0.00034; TOPMed 0.00035; ESP Exome Variant Server 0.00046; 1000 Genomes Project 30x 0.00047; gnomAD exomes 0.00048 and 0.00058; 1000 Genomes Project 0.00060; gnomAD 0.00061.
gnomAD v4.1: 931 of 1,613,096 alleles (0.058%); highest among the groups gnomAD compares: Non-Finnish European, 0.058%; no homozygotes.

Submissions (9):

ClinGen RASopathy Variant Curation Expert Panel
Classification: Uncertain significance for RASopathy. Last evaluated: 2024-12-03. Review status: reviewed by expert panel. Criteria: ClinGen RASopathy ACMG Specifications LZTR1 V1.3.0. Collection method: curation. Allele origin: germline. Inheritance: Autosomal dominant inheritance.
Comment: The NM_006767.4:c.1723G>A variant in LZTR1 is a missense variant predicted to cause substitution of aspartic acid by asparagine at amino acid 575 (p.Asp575Asn). The highest population minor allele frequency in gnomAD v2.1.1 is 0.0002433 (43/128774 alleles) in the European (non-Finnish) population (PM2_Supporting, BS1, and BA1 are not met). The computational predictor REVEL gives a score of 0.197, which is below the threshold of 0.3, evidence that does not predict a damaging effect on LZTR1 function (BP4). In summary, this variant meets the criteria to be classified as uncertain significance for RASopathy based on the ACMG/AMP criteria applied, as specified by the ClinGen RASopathy VCEP: BP4. (ClinGen RASopathy VCEP specifications version 1.3; 12/3/2024)

Labcorp Genetics (formerly Invitae), Labcorp
Classification: Likely benign. Last evaluated: 2026-02-03. Review status: criteria provided, single submitter. Criteria: Invitae Variant Classification Sherloc (09022015). Collection method: clinical testing. Allele origin: germline. Not counted in ClinVar's aggregate classification.

CeGaT Center for Human Genetics Tuebingen
Classification: Likely benign. Last evaluated: 2025-07-01. Review status: criteria provided, single submitter. Criteria: CeGaT Center For Human Genetics Tuebingen Variant Classification Criteria Version 2. Collection method: clinical testing. Allele origin: germline. Affected: yes. Observed: 2 variant alleles. Not counted in ClinVar's aggregate classification.
Comment: LZTR1: BS1

Blueprint Genetics
Classification: Likely benign. Last evaluated: 2024-11-21. Review status: criteria provided, single submitter. Criteria: ACMG Guidelines, 2015. Collection method: clinical testing. Allele origin: germline. Not counted in ClinVar's aggregate classification.

Women's Health and Genetics/Laboratory Corporation of America, LabCorp
Classification: Benign. Last evaluated: 2021-01-21. Review status: criteria provided, single submitter. Criteria: LabCorp Variant Classification Summary - May 2015. Collection method: clinical testing. Allele origin: germline. Not counted in ClinVar's aggregate classification.
Comment: Variant summary: LZTR1 c.1723G>A (p.Asp575Asn) results in a conservative amino acid change in the encoded protein sequence. Four of five in-silico tools predict a benign effect of the variant on protein function. The variant allele was found at a frequency of 0.00048 in 250384 control chromosomes. The observed variant frequency is approximately 96.6- fold the estimated maximal expected allele frequency for a pathogenic variant in LZTR1 causing Noonan Syndrome phenotype (5e-06), strongly suggesting that the variant is benign. To our knowledge, no reports of c.1723G>A in individuals affected with Noonan Syndrome and no experimental evidence demonstrating an impact on protein function have been documented in the literature. One other clinical diagnostic laboratory has submitted clinical-significance assessments for this variant to ClinVar after 2014 without evidence for independent evaluation, citing the variant as likely benign. Based on the evidence outlined above, the variant was classified as benign.

Ambry Genetics
Classification: Likely benign for Cardiovascular phenotype; Hereditary cancer-predisposing syndrome. Last evaluated: 2020-08-26. Review status: criteria provided, single submitter. Criteria: Ambry Variant Classification Scheme 2023. Collection method: clinical testing. Allele origin: germline. Not counted in ClinVar's aggregate classification.

GeneDx
Classification: Likely benign. Last evaluated: 2019-09-24. Review status: criteria provided, single submitter. Criteria: GeneDx Variant Classification Process June 2021. Collection method: clinical testing. Allele origin: germline. Affected: yes. Not counted in ClinVar's aggregate classification.
Comment: This variant is associated with the following publications: (PMID: 24362817)

PreventionGenetics, part of Exact Sciences
Classification: Likely benign for LZTR1-related condition. Last evaluated: 2022-03-02. Review status: no assertion criteria provided. Collection method: clinical testing. Allele origin: germline. Not counted in ClinVar's aggregate classification.
Comment: This variant is classified as likely benign based on ACMG/AMP sequence variant interpretation guidelines (Richards et al. 2015 PMID: 25741868, with internal and published modifications).

Department of Pathology and Laboratory Medicine, Sinai Health System
Classification: Uncertain significance. Review status: no assertion criteria provided. Collection method: clinical testing. Allele origin: unknown. Affected: yes. Study: The Canadian Open Genetics Repository (COGR). Not counted in ClinVar's aggregate classification.
Comment: The LZTR1 p.Asp575Asn variant was not identified in the literature nor was it identified in ClinVar or Cosmic. The variant was identified in dbSNP (ID: rs139368531) and in LOVD 3.0. The variant was also identified in control databases in 139 of 281786 chromosomes at a frequency of 0.000493 increasing the likelihood this could be a low frequency benign variant (Genome Aggregation Database Feb 27, 2017). The variant was observed in the following populations: European (Finnish) in 74 of 24604 chromosomes (freq: 0.003008), Other in 7 of 7216 chromosomes (freq: 0.00097), European (non-Finnish) in 43 of 128774 chromosomes (freq: 0.000334), Latino in 11 of 35402 chromosomes (freq: 0.000311) and African in 4 of 24888 chromosomes (freq: 0.000161); it was not observed in the Ashkenazi Jewish, East Asian and South Asian populations. The variant occurs outside of the splicing consensus sequence and in silico or computational prediction software programs (SpliceSiteFinder, MaxEntScan, NNSPLICE, GeneSplicer) do not predict a difference in splicing. The p.Asp575 residue is conserved in mammals but not in more distantly related organisms and four out of five computational analyses (PolyPhen-2, SIFT, AlignGVGD, BLOSUM) do not suggest a high likelihood of impact to the protein; this information is not predictive enough to rule out pathogenicity. In summary, based on the above information the clinical significance of this variant cannot be determined with certainty at this time. This variant is classified as a variant of uncertain significance.

Literature cited by the submitters: PubMed 24362817 (cited by Women's Health and Genetics/Laboratory Corporation of America, LabCorp).

NM_006767.4(LZTR1):c.1723G>A (p.Asp575Asn)

Gene: LZTR1 (leucine zipper like post translational regulator 1; plus strand). Cytogenetic location: 22q11.21.
Variant type: single nucleotide variant.
Coding change: c.1723G>A on transcript NM_006767.4 (MANE Select); coding-DNA position 1723, G replaced by A.
Protein change: p.Asp575Asn; replaces aspartic acid 575 with asparagine.
Molecular consequence: missense variant.
Genome position (GRCh38, 1-based): chr22:20,994,665, G>A. VCF-style: chr22-20994665-G-A. GRCh37 (hg19) VCF-style: chr22-21348954-G-A.
Other names: NM_006767.4(LZTR1):c.1723G>A; p.Asp575Asn; short protein forms D575N.
Identifiers: ClinVar variation 705680 (VCV000705680.32), dbSNP rs139368531, ClinGen allele CA10119038.
Genomic context (GRCh38, chr22:20,994,665, plus strand): 5'-CTGAGCTTCCAGTTGTGCCGCCTGGAGCAGCTGTGCCGCCAGTACATCGAGGCCTCCGTG[G>A]ACCTGCAGAACGTGCTGGTTGTGTGCGAGAGTGCCGCCCGGCTGCAGCTGAGCCAACTCA-3'
Protein context (NP_006758.2, residues 565-585): LCRQYIEASV[Asp575Asn]LQNVLVVCES